The following is an entry in ClinVar:

ClinVar aggregate classification (germline): Uncertain significance (1 of 4 stars; one submission).

Conditions:
Frontotemporal dementia and/or amyotrophic lateral sclerosis 7 (FTDALS7). Also called: CHMP2B-related frontotemporal dementia; Amyotrophic lateral sclerosis 17; AMYOTROPHIC LATERAL SCLEROSIS, CHMP2B-RELATED; CHMP2B-Related Frontotemporal Dementia-Amyotrophic Lateral Sclerosis. Identifiers: Orphanet 275864, Orphanet 282, Orphanet 803, MedGen C1833296, MONDO:0010936, OMIM 600795.

Submission:

Labcorp Genetics (formerly Invitae), Labcorp
Classification: Uncertain significance for Frontotemporal dementia and/or amyotrophic lateral sclerosis 7. Last evaluated: 2024-07-11. Review status: criteria provided, single submitter. Criteria: Invitae Variant Classification Sherloc (09022015). Collection method: clinical testing. Allele origin: germline.
Comment: This sequence change replaces valine, which is neutral and non-polar, with glutamic acid, which is acidic and polar, at codon 13 of the CHMP2B protein (p.Val13Glu). This variant is not present in population databases (gnomAD no frequency). This variant has not been reported in the literature in individuals affected with CHMP2B-related conditions. An algorithm developed to predict the effect of missense changes on protein structure and function (PolyPhen-2) suggests that this variant is likely to be tolerated. In summary, the available evidence is currently insufficient to determine the role of this variant in disease. Therefore, it has been classified as a Variant of Uncertain Significance.

NM_014043.4(CHMP2B):c.38T>A (p.Val13Glu)

Gene: CHMP2B (charged multivesicular body protein 2B; plus strand). Cytogenetic location: 3p11.2.
Variant type: single nucleotide variant.
Coding change: c.38T>A on transcript NM_014043.4 (MANE Select); coding-DNA position 38, T replaced by A.
Protein change: p.Val13Glu; replaces valine 13 with glutamic acid.
Molecular consequence: missense variant. On other transcripts: intron variant (1).
Genome position (GRCh38, 1-based): chr3:87,240,702, T>A. VCF-style: chr3-87240702-T-A. GRCh37 (hg19) VCF-style: chr3-87289852-T-A.
Other names: c.134T>A, p.Val45Glu (NM_001410777.1); c.4-5012T>A (NM_001244644.2); short protein forms V13E, V45E.
Identifiers: ClinVar variation 3752423 (VCV003752423.2).